The following is an entry in ClinVar:

ClinVar aggregate classification (germline): Pathogenic (1 of 4 stars; one submission).

Conditions:
Early-infantile DEE. Also called: Early infantile epileptic encephalopathy with suppression bursts; Early infantile epileptic encephalopathy; Ohtahara syndrome. Identifiers: Orphanet 1934, MedGen C0393706, MONDO:0800491.

Submission:

Labcorp Genetics (formerly Invitae), Labcorp
Classification: Pathogenic for Early-infantile DEE. Last evaluated: 2022-03-19. Review status: criteria provided, single submitter. Criteria: Invitae Variant Classification Sherloc (09022015). Collection method: clinical testing. Allele origin: germline.
Comment: This variant has not been reported in the literature in individuals affected with SCN1A-related conditions. This sequence change creates a premature translational stop signal (p.Tyr159*) in the SCN1A gene. It is expected to result in an absent or disrupted protein product. Loss-of-function variants in SCN1A are known to be pathogenic (PMID: 17347258, 18930999). This variant is not present in population databases (gnomAD no frequency). For these reasons, this variant has been classified as Pathogenic.

Literature cited by the submitters: PubMed 17347258; PubMed 18930999.

NM_001165963.4(SCN1A):c.477C>A (p.Tyr159Ter)

Gene: SCN1A (sodium voltage-gated channel alpha subunit 1; minus strand). Cytogenetic location: 2q24.3.
Variant type: single nucleotide variant.
Coding change: c.477C>A on transcript NM_001165963.4 (MANE Select); coding-DNA position 477, C replaced by A.
Protein change: p.Tyr159Ter; replaces tyrosine 159 with a stop codon.
Molecular consequence: nonsense. On other transcripts: 5 prime UTR variant (1), non-coding transcript variant (1).
Genome position (GRCh38, 1-based): chr2:166,054,763, G>T on the plus strand (C>A on the coding strand, the complement: SCN1A is on the minus strand). VCF-style: chr2-166054763-G-T. GRCh37 (hg19) VCF-style: chr2-166911273-G-T.
Other names: c.477C>A, p.Tyr159Ter (NM_001165964.3, NM_001202435.3, NM_001353948.2 and 10 more transcripts); c.-1949C>A (NM_001353961.2); short protein forms Y159*.
Identifiers: ClinVar variation 1451279 (VCV001451279.7), dbSNP rs748508725, ClinGen allele CA349075730.